The following is an entry in ClinVar:

NM_000264.5(PTCH1):c.317T>G (p.Leu106Arg)

Gene: PTCH1 (patched 1; minus strand). Cytogenetic location: 9q22.32.
Variant type: single nucleotide variant.
Coding change: c.317T>G on transcript NM_000264.5 (MANE Select); coding-DNA position 317, T replaced by G.
Protein change: p.Leu106Arg; replaces leucine 106 with arginine.
Molecular consequence: missense variant. On other transcripts: 5 prime UTR variant (4), non-coding transcript variant (1).
Genome position (GRCh38, 1-based): chr9:95,506,484, A>C on the plus strand (T>G on the coding strand, the complement: PTCH1 is on the minus strand). VCF-style: chr9-95506484-A-C. GRCh37 (hg19) VCF-style: chr9-98268766-A-C.
Other names: c.119T>G, p.Leu40Arg (NM_001083602.3, NM_001354919.2); c.314T>G, p.Leu105Arg (NM_001083603.3); c.-137T>G (NM_001083604.3, NM_001083605.3, NM_001083606.3 and 1 more transcripts); c.317T>G, p.Leu106Arg (NM_001354918.2); short protein forms L106R, L40R, L105R.
Identifiers: ClinVar variation 428853 (VCV000428853.14), dbSNP rs1131690998, ClinGen allele CA374120289.

ClinVar aggregate classification (germline): Likely pathogenic. Review status: criteria provided, multiple submitters, no conflicts (2 of 4 stars). 2 submissions from 2 submitters: Likely pathogenic (2). Last evaluated 2026-06-22.

Conditions:
Gorlin syndrome. Also called: Nevoid Basal Cell Carcinoma Syndrome; Basal cell nevus syndrome. Identifiers: Orphanet 377, MedGen C0004779, MONDO:0007187.
Hereditary cancer-predisposing syndrome. Also called: Neoplastic Syndromes, Hereditary; Hereditary neoplastic syndrome; Hereditary Cancer Syndrome; Tumor predisposition. Identifiers: Orphanet 140162, MedGen C0027672, MeSH D009386, MONDO:0015356.

Submissions (2):

Ambry Genetics
Classification: Likely pathogenic for Hereditary cancer-predisposing syndrome. Last evaluated: 2026-06-22. Review status: criteria provided, single submitter. Criteria: Ambry Variant Classification Scheme 2023. Collection method: clinical testing. Allele origin: germline.
Comment: The p.L106R variant (also known as c.317T>G), located in coding exon 2 of the PTCH1 gene, results from a T to G substitution at nucleotide position 317. The leucine at codon 106 is replaced by arginine, an amino acid with dissimilar properties. This variant was reported in individual(s) with features consistent with PTCH1-related nevoid basal cell carcinoma syndrome (Murgia G et al. Cancers (Basel), 2024 Jun;16; Akbari M et al. Pathophysiology, 2018 Jun;25:77-82; Pan S et al. Clin Cancer Res, 2010 Jan;16:442-50). This amino acid position is highly conserved in available vertebrate species. In addition, this alteration is predicted to be deleterious by in silico analysis. Based on the majority of available evidence to date, this variant is likely to be pathogenic.

Labcorp Genetics (formerly Invitae), Labcorp
Classification: Likely pathogenic for Gorlin syndrome. Last evaluated: 2022-04-13. Review status: criteria provided, single submitter. Criteria: Invitae Variant Classification Sherloc (09022015). Collection method: clinical testing. Allele origin: germline.
Comment: In summary, the currently available evidence indicates that the variant is pathogenic, but additional data are needed to prove that conclusively. Therefore, this variant has been classified as Likely Pathogenic. Advanced modeling of protein sequence and biophysical properties (such as structural, functional, and spatial information, amino acid conservation, physicochemical variation, residue mobility, and thermodynamic stability) performed at Invitae indicates that this missense variant is expected to disrupt PTCH1 protein function. ClinVar contains an entry for this variant (Variation ID: 428853). This missense change has been observed in individual(s) with clinical features of Gorlin syndrome (PMID: 18302678; Invitae). It has also been observed to segregate with disease in related individuals. This variant is not present in population databases (gnomAD no frequency). This sequence change replaces leucine, which is neutral and non-polar, with arginine, which is basic and polar, at codon 106 of the PTCH1 protein (p.Leu106Arg).

Literature cited by the submitters: PubMed 20068110 (cited by Ambry Genetics); PubMed 29454489 (cited by Ambry Genetics); PubMed 38927872 (cited by Ambry Genetics); PubMed 18302678 (cited by Labcorp Genetics (formerly Invitae), Labcorp).